The following is an entry in ClinVar:

NM_001042492.3(NF1):c.4945G>A (p.Gly1649Arg)

Gene: NF1 (neurofibromin 1; plus strand). Cytogenetic location: 17q11.2.
Variant type: single nucleotide variant.
Coding change: c.4945G>A on transcript NM_001042492.3 (MANE Select); coding-DNA position 4945, G replaced by A.
Protein change: p.Gly1649Arg; replaces glycine 1649 with arginine.
Molecular consequence: missense variant.
Genome position (GRCh38, 1-based): chr17:31,325,929, G>A. VCF-style: chr17-31325929-G-A. GRCh37 (hg19) VCF-style: chr17-29652947-G-A.
Other names: c.4882G>A, p.Gly1628Arg (NM_000267.4); short protein forms G1628R, G1649R.
Identifiers: ClinVar variation 404480 (VCV000404480.15), dbSNP rs770124316, ClinGen allele CA8487121.

ClinVar aggregate classification (germline): Uncertain significance. Review status: criteria provided, multiple submitters, no conflicts (2 of 4 stars). 6 submissions from 6 submitters: Uncertain significance (6). Last evaluated 2025-12-13.

Conditions:
Hereditary cancer-predisposing syndrome. Also called: Hereditary neoplastic syndrome; Neoplastic Syndromes, Hereditary; Hereditary Cancer Syndrome; Tumor predisposition. Identifiers: Orphanet 140162, MedGen C0027672, MeSH D009386, MONDO:0015356.
Cardiovascular phenotype. Identifiers: MedGen CN230736.
Neurofibromatosis, type 1 (NF1). Also called: Peripheral type neurofibromatosis; VON RECKLINGHAUSEN DISEASE; Neurofibromatosis, type I; NEUROFIBROMATOSIS, TYPE I, SOMATIC. Identifiers: Orphanet 636, MedGen C0027831, MONDO:0018975, OMIM 162200. Disease mechanism: loss of function.

Allele frequency attached by ClinVar (database versions not stated): gnomAD exomes below 0.00001 and 0.00002; TOPMed below 0.00001; gnomAD 0.00001; ExAC 0.00002.
gnomAD v4.1: 7 of 1,613,954 alleles (0.00043%); highest among the groups gnomAD compares: Non-Finnish European, 0.00034%; no homozygotes.

Submissions (6):

Labcorp Genetics (formerly Invitae), Labcorp
Classification: Uncertain significance for Neurofibromatosis, type 1. Last evaluated: 2025-12-13. Review status: criteria provided, single submitter. Criteria: Invitae Variant Classification Sherloc (09022015). Collection method: clinical testing. Allele origin: germline.
Comment: This sequence change replaces glycine, which is neutral and non-polar, with arginine, which is basic and polar, at codon 1628 of the NF1 protein (p.Gly1628Arg). This variant is present in population databases (rs770124316, gnomAD 0.009%). This missense change has been observed in individual(s) with neurofibromatosis type 1 (PMID: 10336779). ClinVar contains an entry for this variant (Variation ID: 404480). Invitae Evidence Modeling of protein sequence and biophysical properties (such as structural, functional, and spatial information, amino acid conservation, physicochemical variation, residue mobility, and thermodynamic stability) indicates that this missense variant is expected to disrupt NF1 protein function with a positive predictive value of 95%. In summary, the available evidence is currently insufficient to determine the role of this variant in disease. Therefore, it has been classified as a Variant of Uncertain Significance.

Quest Diagnostics Nichols Institute San Juan Capistrano
Classification: Uncertain significance. Last evaluated: 2025-02-14. Review status: criteria provided, single submitter. Criteria: Quest Diagnostics criteria. Collection method: clinical testing. Allele origin: unknown.

Ambry Genetics
Classification: Uncertain significance for Cardiovascular phenotype; Hereditary cancer-predisposing syndrome. Last evaluated: 2024-12-17. Review status: criteria provided, single submitter. Criteria: Ambry Variant Classification Scheme 2023. Collection method: clinical testing. Allele origin: germline.
Comment: The p.G1628R variant (also known as c.4882G>A), located in coding exon 36 of the NF1 gene, results from a G to A substitution at nucleotide position 4882. The glycine at codon 1628 is replaced by arginine, an amino acid with dissimilar properties. This amino acid position is highly conserved in available vertebrate species. In addition, the in silico prediction for this alteration is inconclusive. Since supporting evidence is limited at this time, the clinical significance of this alteration remains unclear.

Blueprint Genetics
Classification: Uncertain significance. Last evaluated: 2024-03-23. Review status: criteria provided, single submitter. Criteria: ACMG Guidelines, 2015. Collection method: clinical testing. Allele origin: germline.

Genome-Nilou Lab
Classification: Uncertain significance for Neurofibromatosis, type 1. Last evaluated: 2022-03-15. Review status: criteria provided, single submitter. Criteria: ACMG Guidelines, 2015. Collection method: clinical testing. Allele origin: germline. Affected: no.

GeneDx
Classification: Uncertain significance. Last evaluated: 2020-04-01. Review status: criteria provided, single submitter. Criteria: GeneDx Variant Classification Process June 2021. Collection method: clinical testing. Allele origin: germline. Affected: yes.
Comment: In silico analysis supports that this missense variant has a deleterious effect on protein structure/function; Has not been previously published as pathogenic or benign to our knowledge; This variant is associated with the following publications: (PMID: 10336779)

Literature cited by the submitters: PubMed 10336779 (cited by Labcorp Genetics (formerly Invitae), Labcorp).